The following is an entry in ClinVar:

NM_000219.6(KCNE1):c.114T>A (p.Ser38Arg)

Gene: KCNE1 (potassium voltage-gated channel subfamily E regulatory subunit 1; minus strand). Cytogenetic location: 21q22.12.
Variant type: single nucleotide variant.
Coding change: c.114T>A on transcript NM_000219.6 (MANE Select); coding-DNA position 114, T replaced by A.
Protein change: p.Ser38Arg; replaces serine 38 with arginine.
Molecular consequence: missense variant.
Genome position (GRCh38, 1-based): chr21:34,449,521, A>T on the plus strand (T>A on the coding strand, the complement: KCNE1 is on the minus strand). VCF-style: chr21-34449521-A-T. GRCh37 (hg19) VCF-style: chr21-35821819-A-T.
Other names: c.114T>A, p.Ser38Arg (NM_001127668.4, NM_001127669.4, NM_001127670.4 and 4 more transcripts); short protein forms S38R.
Identifiers: ClinVar variation 3374080 (VCV003374080.2).

Conditions:
Long QT syndrome 5 (LQT5). Identifiers: Orphanet 101016, Orphanet 768, MedGen C1867904, MONDO:0013372, OMIM 613695.

Submission:

Roden Lab, Vanderbilt University Medical Center
No classification provided (evidence only). Condition: Long QT syndrome 5. Review status: no classification provided. Collection method: in vitro. Allele origin: not applicable. Functional consequence: Effect on ion channel function.
ClinVar note: "not provided" was previously submitted as the classification for the variant. However, the classification appeared to be based only on an observation of functional data so it was converted to no classification on 2025-07-30.